The following is an entry in ClinVar:

ClinVar aggregate classification (germline): Likely benign. Review status: criteria provided, multiple submitters, no conflicts (2 of 4 stars). 4 submissions from 4 submitters: Likely benign (4). Last evaluated 2026-05-27.

Conditions:
ESPN-related disorder. Also called: ESPN-related condition.

Allele frequency attached by ClinVar (database versions not stated): gnomAD exomes 0.00022; ExAC 0.00059; gnomAD 0.00076 and 0.00081; TOPMed 0.00077; 1000 Genomes Project 0.00100; 1000 Genomes Project 30x 0.00125; ESP Exome Variant Server 0.00140.
gnomAD v4.1: 222 of 1,598,038 alleles (0.014%); highest among the groups gnomAD compares: African/African-American, 0.28%; 1 homozygote.

Submissions (4):

PreventionGenetics, part of Exact Sciences
Classification: Likely benign for ESPN-related condition. Last evaluated: 2026-05-27. Review status: criteria provided, single submitter. Criteria: ACMG Guidelines, 2015. Collection method: clinical testing. Allele origin: germline.
Comment: This variant is classified as likely benign based on ACMG/AMP sequence variant interpretation guidelines (Richards et al. 2015 PMID: 25741868, with internal and published modifications).

Labcorp Genetics (formerly Invitae), Labcorp
Classification: Likely benign. Last evaluated: 2025-08-22. Review status: criteria provided, single submitter. Criteria: Invitae Variant Classification Sherloc (09022015). Collection method: clinical testing. Allele origin: germline.

Blueprint Genetics
Classification: Likely benign. Last evaluated: 2024-05-08. Review status: criteria provided, single submitter. Criteria: ACMG Guidelines, 2015. Collection method: clinical testing. Allele origin: germline.

GeneDx
Classification: Likely benign. Last evaluated: 2020-12-12. Review status: criteria provided, single submitter. Criteria: GeneDx Variant Classification Process June 2021. Collection method: clinical testing. Allele origin: germline. Affected: yes.

NM_031475.3(ESPN):c.887C>T (p.Ala296Val)

Gene: ESPN (espin; plus strand). Cytogenetic location: 1p36.31.
Variant type: single nucleotide variant.
Coding change: c.887C>T on transcript NM_031475.3 (MANE Select); coding-DNA position 887, C replaced by T.
Protein change: p.Ala296Val; replaces alanine 296 with valine.
Molecular consequence: missense variant.
Genome position (GRCh38, 1-based): chr1:6,440,962, C>T. VCF-style: chr1-6440962-C-T. GRCh37 (hg19) VCF-style: chr1-6501022-C-T.
Other names: c.887C>T, p.Ala296Val (NM_001367473.1, NM_001367474.1); short protein forms A296V.
Identifiers: ClinVar variation 721600 (VCV000721600.13), dbSNP rs146588006, ClinGen allele CA560020.